The following is an entry in ClinVar:

ClinVar aggregate classification (germline): Uncertain significance (1 of 4 stars; one submission).

Submission:

Labcorp Genetics (formerly Invitae), Labcorp
Classification: Uncertain significance. Last evaluated: 2025-08-14. Review status: criteria provided, single submitter. Criteria: Invitae Variant Classification Sherloc (09022015). Collection method: clinical testing. Allele origin: germline.
Comment: This sequence change replaces alanine, which is neutral and non-polar, with serine, which is neutral and polar, at codon 645 of the HR protein (p.Ala645Ser). This variant is not present in population databases (gnomAD no frequency). This variant has not been reported in the literature in individuals affected with HR-related conditions. An algorithm developed to predict the effect of missense changes on protein structure and function (PolyPhen-2) suggests that this variant is likely to be tolerated. In summary, the available evidence is currently insufficient to determine the role of this variant in disease. Therefore, it has been classified as a Variant of Uncertain Significance.

NM_005144.5(HR):c.1933G>T (p.Ala645Ser)

Gene: HR (HR lysine demethylase and nuclear receptor corepressor; minus strand). Cytogenetic location: 8p21.3.
Variant type: single nucleotide variant.
Coding change: c.1933G>T on transcript NM_005144.5 (MANE Select); coding-DNA position 1933, G replaced by T.
Protein change: p.Ala645Ser; replaces alanine 645 with serine.
Molecular consequence: missense variant.
Genome position (GRCh38, 1-based): chr8:22,122,862, C>A on the plus strand (G>T on the coding strand, the complement: HR is on the minus strand). VCF-style: chr8-22122862-C-A. GRCh37 (hg19) VCF-style: chr8-21980375-C-A.
Other names: c.1933G>T, p.Ala645Ser (NM_018411.4); short protein forms A645S.
Identifiers: ClinVar variation 4691016 (VCV004691016.1).
Genomic context (GRCh38, chr8:22,122,862, plus strand): 5'-CAAACTGGGTCAGCATCAGGGAACAGGCAGCGTGCCCGGCCTCCTGCGTGCACTCCTCCG[C>A]GGACTGCTCCTGAAAGCCTGTGGGGCAGGAAGGGAAAAGCTGCAGGTCCAGAAATCAAGG-3'
Protein context (NP_005135.2, residues 635-655): REKAGFQEQS[Ala645Ser]EECTQEAGHA